The following is an entry in ClinVar:

NM_182961.4(SYNE1):c.18396A>G (p.Glu6132=)

Gene: SYNE1 (spectrin repeat containing nuclear envelope protein 1; minus strand). Cytogenetic location: 6q25.2.
Variant type: single nucleotide variant.
Coding change: c.18396A>G on transcript NM_182961.4 (MANE Select); coding-DNA position 18396, A replaced by G.
Protein change: p.Glu6132=; no amino-acid change (glutamic acid 6132 retained).
Molecular consequence: synonymous variant.
Genome position (GRCh38, 1-based): chr6:152,278,266, T>C on the plus strand (A>G on the coding strand, the complement: SYNE1 is on the minus strand). VCF-style: chr6-152278266-T-C. GRCh37 (hg19) VCF-style: chr6-152599401-T-C.
Other names: c.18183A>G, p.Glu6061= (NM_033071.5).
Identifiers: ClinVar variation 5039786 (VCV005039786.1).
Genomic context (GRCh38, chr6:152,278,266, plus strand): 5'-CAGCAGCAGGTTCTCATTGTGGACTGACAGTTCTGATAAAGCCACCACCTTCTGCTCTAT[T>C]TCCACCAGCATATTCTGCAGCAACAGAAATAAGAATGAAACTCACACATCTCCCCAGCCT-3'
Protein context (NP_892006.3, residues 6122-6142): QLMDCQNMLV[Glu6132=]IEQKVVALSE

ClinVar aggregate classification (germline): Likely benign (1 of 4 stars; one submission).

Submission:

CeGaT Center for Human Genetics Tuebingen
Classification: Likely benign. Last evaluated: 2026-07-01. Review status: criteria provided, single submitter. Criteria: CeGaT Center For Human Genetics Tuebingen Variant Classification Criteria Version 2. Collection method: clinical testing. Allele origin: germline. Affected: yes. Observed: 1 variant allele.
Comment: SYNE1: BP4, BP7